The following is an entry in ClinVar:

NM_020708.5(SLC12A5):c.958C>T (p.Leu320Phe)

Gene: SLC12A5 (solute carrier family 12 member 5; plus strand). Cytogenetic location: 20q13.12.
Variant type: single nucleotide variant.
Coding change: c.958C>T on transcript NM_020708.5 (MANE Select); coding-DNA position 958, C replaced by T.
Protein change: p.Leu320Phe; replaces leucine 320 with phenylalanine.
Molecular consequence: missense variant.
Genome position (GRCh38, 1-based): chr20:46,041,432, C>T. VCF-style: chr20-46041432-C-T. GRCh37 (hg19) VCF-style: chr20-44670071-C-T.
Other names: c.1027C>T, p.Leu343Phe (NM_001134771.2); c.1027C>T (NM_001134771.1); short protein forms L343F, L320F.
Identifiers: ClinVar variation 835089 (VCV000835089.7), dbSNP rs916790849, ClinGen allele CA315635215.
Genomic context (GRCh38, chr20:46,041,432, plus strand): 5'-GATGTCTGTGCCAAGCTGGCTTGGGAAGGAAATGAGACGGTGACCACACGGCTATGGGGC[C>T]TTTTCTGCTCCTCTCGCTTCCTCAACGCCACCTGTGATGAATACTTCACCCGAAACAATG-3'
Protein context (NP_065759.1, residues 310-330): NETVTTRLWG[Leu320Phe]FCSSRFLNAT

ClinVar aggregate classification (germline): Uncertain significance. Review status: criteria provided, multiple submitters, no conflicts (2 of 4 stars). 2 submissions from 2 submitters: Uncertain significance (2). Last evaluated 2025-02-03.

Conditions:
Developmental and epileptic encephalopathy, 34 (DEE34). Also called: Early infantile epileptic encephalopathy 34; SLC12A5-Related Epilepsy of Infancy with Migrating Focal Seizures. Identifiers: Orphanet 293181, MedGen C4225257, MONDO:0014718, OMIM 616645.

Allele frequency attached by ClinVar (database versions not stated): gnomAD exomes 0.00001; gnomAD 0.00002; TOPMed 0.00005.
gnomAD v4.1: 24 of 1,614,038 alleles (0.0015%); highest among the groups gnomAD compares: African/African-American, 0.008%; no homozygotes.

Submissions (2):

Labcorp Genetics (formerly Invitae), Labcorp
Classification: Uncertain significance for Developmental and epileptic encephalopathy, 34. Last evaluated: 2025-02-03. Review status: criteria provided, single submitter. Criteria: Invitae Variant Classification Sherloc (09022015). Collection method: clinical testing. Allele origin: germline.
Comment: This sequence change replaces leucine, which is neutral and non-polar, with phenylalanine, which is neutral and non-polar, at codon 320 of the SLC12A5 protein (p.Leu320Phe). This variant is present in population databases (no rsID available, gnomAD 0.008%). This variant has not been reported in the literature in individuals affected with SLC12A5-related conditions. ClinVar contains an entry for this variant (Variation ID: 835089). Invitae Evidence Modeling of protein sequence and biophysical properties (such as structural, functional, and spatial information, amino acid conservation, physicochemical variation, residue mobility, and thermodynamic stability) indicates that this missense variant is not expected to disrupt SLC12A5 protein function with a negative predictive value of 80%. In summary, the available evidence is currently insufficient to determine the role of this variant in disease. Therefore, it has been classified as a Variant of Uncertain Significance.

Ambry Genetics
Classification: Uncertain significance. Last evaluated: 2024-10-09. Review status: criteria provided, single submitter. Criteria: Ambry Variant Classification Scheme 2023. Collection method: clinical testing. Allele origin: germline.